The following is an entry in ClinVar:

NM_001466.4(FZD2):c.1141G>A (p.Ala381Thr)

Gene: FZD2 (frizzled class receptor 2; plus strand). Cytogenetic location: 17q21.31.
Variant type: single nucleotide variant.
Coding change: c.1141G>A on transcript NM_001466.4 (MANE Select); coding-DNA position 1141, G replaced by A.
Protein change: p.Ala381Thr; replaces alanine 381 with threonine.
Molecular consequence: missense variant.
Genome position (GRCh38, 1-based): chr17:44,558,829, G>A. VCF-style: chr17-44558829-G-A. GRCh37 (hg19) VCF-style: chr17-42636197-G-A.
Other names: short protein forms A381T.
Identifiers: ClinVar variation 3714784 (VCV003714784.3).
Genomic context (GRCh38, chr17:44,558,829, plus strand): 5'-GGCCACGAGGCCATCGAGGCCAACTCTCAGTACTTCCACCTGGCCGCCTGGGCCGTGCCG[G>A]CCGTCAAGACCATCACCATCCTGGCCATGGGCCAGATCGACGGCGACCTGCTGAGCGGCG-3'
Protein context (NP_001457.1, residues 371-391): YFHLAAWAVP[Ala381Thr]VKTITILAMG

ClinVar aggregate classification (germline): Uncertain significance. Review status: criteria provided, multiple submitters, no conflicts (2 of 4 stars). 2 submissions from 2 submitters: Uncertain significance (2). Last evaluated 2025-04-14.

Conditions:
Autosomal dominant omodysplasia. Identifiers: Orphanet 2733, Orphanet 93328, MedGen C2750355, MONDO:0008123, OMIM 164745.

gnomAD v4.1: 57 of 1,614,028 alleles (0.0035%); highest among the groups gnomAD compares: Non-Finnish European, 0.0047%; no homozygotes.

Submissions (2):

Laboratory of Molecular Genetics, CHU Rennes
Classification: Uncertain significance for Autosomal dominant omodysplasia. Last evaluated: 2025-04-14. Review status: criteria provided, single submitter. Criteria: ACMG Guidelines, 2015. Collection method: clinical testing. Allele origin: germline. Affected: yes.

Labcorp Genetics (formerly Invitae), Labcorp
Classification: Uncertain significance. Last evaluated: 2025-02-11. Review status: criteria provided, single submitter. Criteria: Invitae Variant Classification Sherloc (09022015). Collection method: clinical testing. Allele origin: germline.
Comment: This sequence change replaces alanine, which is neutral and non-polar, with threonine, which is neutral and polar, at codon 381 of the FZD2 protein (p.Ala381Thr). This variant is present in population databases (rs530531830, gnomAD 0.007%). This variant has not been reported in the literature in individuals affected with FZD2-related conditions. Invitae Evidence Modeling of protein sequence and biophysical properties (such as structural, functional, and spatial information, amino acid conservation, physicochemical variation, residue mobility, and thermodynamic stability) indicates that this missense variant is not expected to disrupt FZD2 protein function with a negative predictive value of 80%. In summary, the available evidence is currently insufficient to determine the role of this variant in disease. Therefore, it has been classified as a Variant of Uncertain Significance.